The following is an entry in ClinVar:

ClinVar aggregate classification (germline): Uncertain significance. Review status: criteria provided, multiple submitters, no conflicts (2 of 4 stars). 3 submissions from 3 submitters: Uncertain significance (2). 1 of the submissions does not count toward it. Last evaluated 2025-02-25.

Conditions:
Hereditary cancer-predisposing syndrome. Also called: Tumor predisposition; Hereditary neoplastic syndrome; Neoplastic Syndromes, Hereditary; Hereditary Cancer Syndrome. Identifiers: Orphanet 140162, MedGen C0027672, MeSH D009386, MONDO:0015356.
Multiple endocrine neoplasia, type 2 (MEN2). Identifiers: Orphanet 653, MedGen C4048306, MONDO:0019003. Disease mechanism: gain of function.

Allele frequency attached by ClinVar (database versions not stated): gnomAD exomes 0.00001.
gnomAD v4.1: 8 of 1,613,570 alleles (0.0005%); highest among the groups gnomAD compares: Non-Finnish European, 0.00068%; no homozygotes.

Submissions (3):

Labcorp Genetics (formerly Invitae), Labcorp
Classification: Uncertain significance for Multiple endocrine neoplasia, type 2. Last evaluated: 2025-02-25. Review status: criteria provided, single submitter. Criteria: Invitae Variant Classification Sherloc (09022015). Collection method: clinical testing. Allele origin: germline.
Comment: This sequence change replaces threonine, which is neutral and polar, with isoleucine, which is neutral and non-polar, at codon 350 of the RET protein (p.Thr350Ile). This variant is not present in population databases (gnomAD no frequency). This variant has not been reported in the literature in individuals affected with RET-related conditions. ClinVar contains an entry for this variant (Variation ID: 135185). An algorithm developed to predict the effect of missense changes on protein structure and function (PolyPhen-2) suggests that this variant is likely to be disruptive. In summary, the available evidence is currently insufficient to determine the role of this variant in disease. Therefore, it has been classified as a Variant of Uncertain Significance.

Ambry Genetics
Classification: Uncertain significance for Hereditary cancer-predisposing syndrome. Last evaluated: 2023-01-09. Review status: criteria provided, single submitter. Criteria: Ambry Variant Classification Scheme 2023. Collection method: clinical testing. Allele origin: germline.
Comment: The p.T350I variant (also known as c.1049C>T), located in coding exon 5 of the RET gene, results from a C to T substitution at nucleotide position 1049. The threonine at codon 350 is replaced by isoleucine, an amino acid with similar properties. This variant was identified in a cohort of 681 ancestrally diverse, healthy subjects (Bodian DL et al. PLoS One. 2014 Apr;9:e94554). This amino acid position is highly conserved through mammals but not in all available vertebrate species. In addition, the in silico prediction for this alteration is inconclusive. Since supporting evidence is limited at this time, the clinical significance of this alteration remains unclear.

ITMI
No classification provided. Condition: AllHighlyPenetrant. Last evaluated: 2013-09-19. Review status: no classification provided. Collection method: reference population. Allele origin: germline. Not counted in ClinVar's aggregate classification.
Comment: Please see associated publication for description of ethnicities

Literature cited by the submitters: PubMed 24728327 (cited by Ambry Genetics and ITMI).

NM_020975.6(RET):c.1049C>T (p.Thr350Ile)

Gene: RET (ret proto-oncogene; plus strand). Cytogenetic location: 10q11.21.
Variant type: single nucleotide variant.
Coding change: c.1049C>T on transcript NM_020975.6 (MANE Select); coding-DNA position 1049, C replaced by T.
Protein change: p.Thr350Ile; replaces threonine 350 with isoleucine.
Molecular consequence: missense variant.
Genome position (GRCh38, 1-based): chr10:43,106,557, C>T. VCF-style: chr10-43106557-C-T. GRCh37 (hg19) VCF-style: chr10-43602005-C-T.
Other names: c.1049C>T, p.Thr350Ile (NM_000323.2, NM_001406743.1, NM_001406744.1 and 6 more transcripts); c.287C>T, p.Thr96Ile (NM_001355216.2); c.920C>T, p.Thr307Ile (NM_001406761.1, NM_001406762.1, NM_001406764.1 and 1 more transcripts); c.761C>T, p.Thr254Ile (NM_001406766.1, NM_001406767.1, NM_001406770.1); short protein forms T350I, T96I, T307I, T254I.
Identifiers: ClinVar variation 135185 (VCV000135185.14), dbSNP rs587778660, ClinGen allele CA007409.